The following is an entry in ClinVar:

NM_005670.4(EPM2A):c.636G>A (p.Met212Ile)

Gene: EPM2A (EPM2A glucan phosphatase, laforin; minus strand). Cytogenetic location: 6q24.3.
Variant type: single nucleotide variant.
Coding change: c.636G>A on transcript NM_005670.4 (MANE Select); coding-DNA position 636, G replaced by A.
Protein change: p.Met212Ile; replaces methionine 212 with isoleucine.
Molecular consequence: missense variant. On other transcripts: intron variant (1).
Genome position (GRCh38, 1-based): chr6:145,635,327, C>T on the plus strand (G>A on the coding strand, the complement: EPM2A is on the minus strand). VCF-style: chr6-145635327-C-T. GRCh37 (hg19) VCF-style: chr6-145956463-C-T.
Other names: c.636G>A, p.Met212Ile (NM_001018041.2, NM_001368130.1); c.222G>A, p.Met74Ile (NM_001360064.2, NM_001360071.2, NM_001368131.1); c.174G>A, p.Met58Ile (NM_001368129.2, NM_001368132.1); c.477-7634G>A (NM_001360057.2); short protein forms M58I, M212I, M74I.
Identifiers: ClinVar variation 940467 (VCV000940467.9), dbSNP rs1776570738, ClinGen allele CA366191142.
Genomic context (GRCh38, chr6:145,635,327, plus strand): 5'-TGGCATCCAGATGTAGGCCAAGCCTTCTTCCCTATATAGTTTAATCATAGTGTCTGGAGT[C>T]ATGGGCTCTGGGTAGCGGTTACAGCCTGAGGAATTCTGTACAATATCCCATTCAGTCTGG-3'
Protein context (NP_005661.1, residues 202-222): SSGCNRYPEP[Met212Ile]TPDTMIKLYR

ClinVar aggregate classification (germline): Uncertain significance (1 of 4 stars; one submission).

Conditions:
Progressive myoclonic epilepsy. Also called: Familial progressive myoclonic epilepsy; Myoclonic Epilepsies, Progressive; Myoclonus epilepsy; Progressive myoclonus epilepsy. Identifiers: Orphanet 308, Orphanet 98261, MedGen C0751778, MONDO:0020074.

Allele frequency attached by ClinVar (database versions not stated): gnomAD exomes 0.00001.
gnomAD v4.1: 19 of 1,614,144 alleles (0.0012%); highest among the groups gnomAD compares: Non-Finnish European, 0.0016%; no homozygotes.

Submission:

Labcorp Genetics (formerly Invitae), Labcorp
Classification: Uncertain significance for Progressive myoclonic epilepsy. Last evaluated: 2019-08-26. Review status: criteria provided, single submitter. Criteria: Invitae Variant Classification Sherloc (09022015). Collection method: clinical testing. Allele origin: germline.
Comment: Algorithms developed to predict the effect of missense changes on protein structure and function (SIFT, PolyPhen-2, Align-GVGD) all suggest that this variant is likely to be tolerated, but these predictions have not been confirmed by published functional studies and their clinical significance is uncertain. This variant has not been reported in the literature in individuals with EPM2A-related conditions. This variant is not present in population databases (ExAC no frequency). This sequence change replaces methionine with isoleucine at codon 212 of the EPM2A protein (p.Met212Ile). The methionine residue is highly conserved and there is a small physicochemical difference between methionine and isoleucine. In summary, the available evidence is currently insufficient to determine the role of this variant in disease. Therefore, it has been classified as a Variant of Uncertain Significance.